The following is an entry in ClinVar:

ClinVar aggregate classification (germline): Uncertain significance (1 of 4 stars; one submission).

Submission:

Labcorp Genetics (formerly Invitae), Labcorp
Classification: Uncertain significance. Last evaluated: 2025-05-05. Review status: criteria provided, single submitter. Criteria: Invitae Variant Classification Sherloc (09022015). Collection method: clinical testing. Allele origin: germline.
Comment: This sequence change replaces glycine, which is neutral and non-polar, with glutamic acid, which is acidic and polar, at codon 396 of the LEMD3 protein (p.Gly396Glu). This variant is not present in population databases (gnomAD no frequency). This variant has not been reported in the literature in individuals affected with LEMD3-related conditions. ClinVar contains an entry for this variant (Variation ID: 3656640). Invitae Evidence Modeling of protein sequence and biophysical properties (such as structural, functional, and spatial information, amino acid conservation, physicochemical variation, residue mobility, and thermodynamic stability) indicates that this missense variant is not expected to disrupt LEMD3 protein function with a negative predictive value of 80%. In summary, the available evidence is currently insufficient to determine the role of this variant in disease. Therefore, it has been classified as a Variant of Uncertain Significance.

NM_014319.5(LEMD3):c.1187G>A (p.Gly396Glu)

Gene: LEMD3 (LEM domain containing 3; plus strand). Cytogenetic location: 12q14.3.
Variant type: single nucleotide variant.
Coding change: c.1187G>A on transcript NM_014319.5 (MANE Select); coding-DNA position 1187, G replaced by A.
Protein change: p.Gly396Glu; replaces glycine 396 with glutamic acid.
Molecular consequence: missense variant.
Genome position (GRCh38, 1-based): chr12:65,170,783, G>A. VCF-style: chr12-65170783-G-A. GRCh37 (hg19) VCF-style: chr12-65564563-G-A.
Other names: c.1187G>A, p.Gly396Glu (NM_001167614.2); short protein forms G396E.
Identifiers: ClinVar variation 3656640 (VCV003656640.2).
Genomic context (GRCh38, chr12:65,170,783, plus strand): 5'-ACTCAACCTTGGATTCGTCAACAGGCTCCCTTCTGAAAACCAATAATCATATTGGCGGTG[G>A]GGCCTTCAGTGTGGACTCCCCCAGGATTTATTCTAACAGTCTCCCTCCCAGTGCGGCGGT-3'
Protein context (NP_055134.2, residues 386-406): LLKTNNHIGG[Gly396Glu]AFSVDSPRIY